The following is an entry in ClinVar:

NM_015021.3(ZNF292):c.7423A>G (p.Lys2475Glu)

Gene: ZNF292 (zinc finger protein 292; plus strand). Cytogenetic location: 6q14.3.
Variant type: single nucleotide variant.
Coding change: c.7423A>G on transcript NM_015021.3 (MANE Select); coding-DNA position 7423, A replaced by G.
Protein change: p.Lys2475Glu; replaces lysine 2475 with glutamic acid.
Molecular consequence: missense variant.
Genome position (GRCh38, 1-based): chr6:87,261,052, A>G. VCF-style: chr6-87261052-A-G. GRCh37 (hg19) VCF-style: chr6-87970770-A-G.
Other names: c.7003A>G, p.Lys2335Glu (NM_001351444.2); short protein forms K2475E, K2335E.
Identifiers: ClinVar variation 2230531 (VCV002230531.3), dbSNP rs753298856, ClinGen allele CA3914796.

ClinVar aggregate classification (germline): Uncertain significance. Review status: criteria provided, multiple submitters, no conflicts (2 of 4 stars). 2 submissions from 2 submitters: Uncertain significance (2). Last evaluated 2022-12-12.

Conditions:
Inborn genetic diseases. Identifiers: MedGen C0950123, MeSH D030342.

Allele frequency attached by ClinVar (database versions not stated): ExAC 0.00001; gnomAD exomes 0.00001.
gnomAD v4.1: 7 of 1,604,264 alleles (0.00044%); highest among the groups gnomAD compares: Non-Finnish European, 0.0006%; no homozygotes.

Submissions (2):

GeneDx
Classification: Uncertain significance. Last evaluated: 2022-12-12. Review status: criteria provided, single submitter. Criteria: GeneDx Variant Classification Process June 2021. Collection method: clinical testing. Allele origin: germline. Affected: yes.
Comment: In silico analysis supports that this missense variant does not alter protein structure/function; Has not been previously published as pathogenic or benign to our knowledge

Ambry Genetics
Classification: Uncertain significance for Inborn genetic diseases. Last evaluated: 2021-05-11. Review status: criteria provided, single submitter. Criteria: Ambry Variant Classification Scheme 2023. Collection method: clinical testing. Allele origin: germline.